The following is an entry in ClinVar:

NM_000271.5(NPC1):c.3478-1G>C

Gene: NPC1 (NPC intracellular cholesterol transporter 1; minus strand). Cytogenetic location: 18q11.2.
Variant type: single nucleotide variant.
Coding change: c.3478-1G>C on transcript NM_000271.5 (MANE Select); the canonical splice acceptor site of the intron before coding-DNA position 3478, G replaced by C.
Molecular consequence: splice acceptor variant.
Genome position (GRCh38, 1-based): chr18:23,534,560, C>G on the plus strand (G>C on the coding strand, the complement: NPC1 is on the minus strand). VCF-style: chr18-23534560-C-G. GRCh37 (hg19) VCF-style: chr18-21114524-C-G.
Identifiers: ClinVar variation 2118117 (VCV002118117.5), dbSNP rs2511184326, ClinGen allele CA401791106.

ClinVar aggregate classification (germline): Likely pathogenic. Review status: criteria provided, multiple submitters, no conflicts (2 of 4 stars). 2 submissions from 2 submitters: Likely pathogenic (2). Last evaluated 2026-06-12.

Conditions:
Niemann-Pick disease, type C1. Also called: NIEMANN-PICK DISEASE, VARIANT TYPE C1; NEUROVISCERAL STORAGE DISEASE WITH VERTICAL SUPRANUCLEAR OPHTHALMOPLEGIA; NIEMANN-PICK DISEASE WITH CHOLESTEROL ESTERIFICATION BLOCK; NIEMANN-PICK DISEASE WITHOUT SPHINGOMYELINASE DEFICIENCY; NIEMANN-PICK DISEASE, CHRONIC NEURONOPATHIC FORM. Identifiers: Orphanet 646, MedGen C3179455, MONDO:0009757, OMIM 257220.

Allele frequency attached by ClinVar (database versions not stated): gnomAD exomes below 0.00001.
gnomAD v4.1: 1 of 1,612,114 alleles (0.000062%); highest among the groups gnomAD compares: African/African-American, 0.0013%; no homozygotes.

Submissions (2):

Women's Health and Genetics/Laboratory Corporation of America, LabCorp
Classification: Likely pathogenic for Niemann-Pick disease, type C1. Last evaluated: 2026-06-12. Review status: criteria provided, single submitter. Criteria: LabCorp Variant Classification Summary - May 2015. Collection method: clinical testing. Allele origin: germline.
Comment: Variant summary: NPC1 c.3478-1G>C is located in a canonical splice-site and is predicted to affect mRNA splicing resulting in a significantly altered protein due to either exon skipping, shortening, or inclusion of intronic material. Variants that disrupt the consensus splice site are a relatively common cause of aberrant splicing and loss of NPC1 function. In silico prediction tools were unavailable. The frequency data for this variant in gnomAD is considered unreliable, as metrics indicate poor data quality at this position. To our knowledge, no occurrence of c.3478-1G>C in individuals affected with NPC1-related conditions and no experimental evidence demonstrating its impact on protein function have been reported. ClinVar contains an entry for this variant (Variation ID: 2118117). Based on the evidence outlined above, the variant was classified as likely pathogenic.

Labcorp Genetics (formerly Invitae), Labcorp
Classification: Likely pathogenic for Niemann-Pick disease, type C1. Last evaluated: 2022-03-27. Review status: criteria provided, single submitter. Criteria: Invitae Variant Classification Sherloc (09022015). Collection method: clinical testing. Allele origin: germline.
Comment: In summary, the currently available evidence indicates that the variant is pathogenic, but additional data are needed to prove that conclusively. Therefore, this variant has been classified as Likely Pathogenic. Algorithms developed to predict the effect of sequence changes on RNA splicing suggest that this variant may disrupt the consensus splice site. This variant has not been reported in the literature in individuals affected with NPC1-related conditions. This variant is not present in population databases (gnomAD no frequency). This sequence change affects an acceptor splice site in intron 22 of the NPC1 gene. It is expected to disrupt RNA splicing. Variants that disrupt the donor or acceptor splice site typically lead to a loss of protein function (PMID: 16199547), and loss-of-function variants in NPC1 are known to be pathogenic (PMID: 9211850).

Literature cited by the submitters: PubMed 16199547 (cited by Labcorp Genetics (formerly Invitae), Labcorp); PubMed 9211850 (cited by Labcorp Genetics (formerly Invitae), Labcorp).